The following is an entry in ClinVar:

NM_000059.4(BRCA2):c.601C>A (p.Pro201Thr)

Gene: BRCA2 (BRCA2 DNA repair associated; plus strand). Cytogenetic location: 13q13.1.
Variant type: single nucleotide variant.
Coding change: c.601C>A on transcript NM_000059.4 (MANE Select); coding-DNA position 601, C replaced by A.
Protein change: p.Pro201Thr; replaces proline 201 with threonine.
Molecular consequence: missense variant. On other transcripts: non-coding transcript variant (1).
Genome position (GRCh38, 1-based): chr13:32,326,583, C>A. VCF-style: chr13-32326583-C-A. GRCh37 (hg19) VCF-style: chr13-32900720-C-A.
Other names: c.601C>A, p.Pro201Thr (NM_001406719.1, NM_001406720.1, NM_001406721.1); c.232C>A, p.Pro78Thr (NM_001406722.1); short protein forms P201T, P78T.
Identifiers: ClinVar variation 3227768 (VCV003227768.1), dbSNP rs1555281093, ClinGen allele CA387758218.
Genomic context (GRCh38, chr13:32,326,583, plus strand): 5'-TCTGAAAGTCTAGGAGCTGAGGTGGATCCTGATATGTCTTGGTCAAGTTCTTTAGCTACA[C>A]CACCCACCCTTAGTTCTACTGTGCTCATAGGTAATAATAGCAAATGTGTATTTACAAGAA-3'
Protein context (NP_000050.3, residues 191-211): DMSWSSSLAT[Pro201Thr]PTLSSTVLIV

ClinVar aggregate classification (germline): Uncertain significance (1 of 4 stars; one submission).

Conditions:
Hereditary cancer-predisposing syndrome. Also called: Neoplastic Syndromes, Hereditary; Tumor predisposition; Hereditary neoplastic syndrome; Hereditary Cancer Syndrome. Identifiers: Orphanet 140162, MedGen C0027672, MeSH D009386, MONDO:0015356.

Submission:

Ambry Genetics
Classification: Uncertain significance for Hereditary cancer-predisposing syndrome. Last evaluated: 2023-09-21. Review status: criteria provided, single submitter. Criteria: Ambry Variant Classification Scheme 2023. Collection method: clinical testing. Allele origin: germline.
Comment: The p.P201T variant (also known as c.601C>A), located in coding exon 6 of the BRCA2 gene, results from a C to A substitution at nucleotide position 601. The proline at codon 201 is replaced by threonine, an amino acid with highly similar properties. This amino acid position is conserved. In addition, the in silico prediction for this alteration is inconclusive. Since supporting evidence is limited at this time, the clinical significance of this alteration remains unclear.